The following is an entry in ClinVar:

ClinVar aggregate classification (germline): Pathogenic (1 of 4 stars; one submission).

Conditions:
Lynch syndrome 5 (LYNCH5). Also called: Colorectal cancer, hereditary nonpolyposis, type 5; Hereditary non-polyposis colorectal cancer, type 5. Identifiers: Orphanet 144, MedGen C1833477, MONDO:0013710, OMIM 614350. Disease mechanism: loss of function.

Submission:

Myriad Genetics, Inc.
Classification: Pathogenic for Lynch syndrome 5. Last evaluated: 2023-02-07. Review status: criteria provided, single submitter. Criteria: Myriad Autosomal Dominant, Autosomal Recessive and X-Linked Classification Criteria (2023). Collection method: clinical testing. Allele origin: unknown.
Comment: This variant is considered pathogenic. This variant creates a frameshift predicted to result in premature protein truncation.

NM_000179.3(MSH6):c.3378del (p.Ala1127fs)

Gene: MSH6 (mutS homolog 6; plus strand). Cytogenetic location: 2p16.3.
Variant type: Deletion.
Coding change: c.3378del on transcript NM_000179.3 (MANE Select); coding-DNA position 3378, one base deleted (A; older notation c.3378delA).
Protein change: p.Ala1127fs; shifts the reading frame from alanine 1127.
Molecular consequence: frameshift variant. On other transcripts: non-coding transcript variant (5).
Genome position (GRCh38, 1-based): chr2:47,803,625, A deleted; the last of 3 consecutive A bases (chr2:47,803,623-47,803,625); deleting any one gives the same sequence. VCF-style (leftmost placement, unchanged base first): chr2-47803622-CA-C. GRCh37 (hg19) VCF-style: chr2-48030761-CA-C.
Other names: c.2988del, p.Ala997fs (NM_001281492.2); c.2472del, p.Ala825fs (NM_001281493.2, NM_001281494.2, NM_001406811.1 and 6 more transcripts); c.3474del, p.Ala1159fs (NM_001406795.1, NM_001406802.1); c.3378del, p.Ala1127fs (NM_001406796.1, NM_001406800.1, NM_001406808.1 and 1 more transcripts); c.3081del, p.Ala1028fs (NM_001406797.1, NM_001406801.1, NM_001406805.1 and 10 more transcripts); c.3204del, p.Ala1069fs (NM_001406798.1); c.2853del, p.Ala952fs (NM_001406799.1, NM_001406806.1, NM_001406807.1); c.2514del, p.Ala839fs (NM_001406803.1); and 7 more; short protein forms A1028fs, A1069fs, A1071fs, A1101fs, A1127fs, A1129fs, A1159fs, A442fs.
Identifiers: ClinVar variation 2573300 (VCV002573300.1), dbSNP rs1553331665, ClinGen allele CA2580612949.